The following is an entry in ClinVar:

ClinVar aggregate classification (germline): Uncertain significance (1 of 4 stars; one submission).

Submission:

Labcorp Genetics (formerly Invitae), Labcorp
Classification: Uncertain significance. Last evaluated: 2022-04-09. Review status: criteria provided, single submitter. Criteria: Invitae Variant Classification Sherloc (09022015). Collection method: clinical testing. Allele origin: germline.
Comment: This variant has not been reported in the literature in individuals affected with COQ9-related conditions. Algorithms developed to predict the effect of missense changes on protein structure and function (SIFT, PolyPhen-2, Align-GVGD) all suggest that this variant is likely to be tolerated. In summary, the available evidence is currently insufficient to determine the role of this variant in disease. Therefore, it has been classified as a Variant of Uncertain Significance. This variant is not present in population databases (gnomAD no frequency). This sequence change replaces isoleucine, which is neutral and non-polar, with valine, which is neutral and non-polar, at codon 197 of the COQ9 protein (p.Ile197Val).

NM_020312.4(COQ9):c.589A>G (p.Ile197Val)

Gene: COQ9 (coenzyme Q9; plus strand). Cytogenetic location: 16q21.
Variant type: single nucleotide variant.
Coding change: c.589A>G on transcript NM_020312.4 (MANE Select); coding-DNA position 589, A replaced by G.
Protein change: p.Ile197Val; replaces isoleucine 197 with valine.
Molecular consequence: missense variant.
Genome position (GRCh38, 1-based): chr16:57,456,998, A>G. VCF-style: chr16-57456998-A-G. GRCh37 (hg19) VCF-style: chr16-57490910-A-G.
Other names: short protein forms I197V.
Identifiers: ClinVar variation 2123499 (VCV002123499.4), dbSNP rs2543571975, ClinGen allele CA396028948.
Genomic context (GRCh38, chr16:57,456,998, plus strand): 5'-AAGACAGACCAGTTCCTGAGGGATGCAGTGGAAACCAGACTGAGAATGCTGATCCCATAC[A>G]TTGAGCACTGGCCCCGGGTACCAAGTCTATATCCAGGCCCCAGAGCAACAATAATCCTAA-3'
Protein context (NP_064708.1, residues 187-207): ETRLRMLIPY[Ile197Val]EHWPRALSIL